The following is an entry in ClinVar:

NM_021619.3(PRDM12):c.301G>T (p.Gly101Cys)

Genes: PRDM12 (PR/SET domain 12; plus strand), LOC126860775 (CDK7 strongly-dependent group 2 enhancer GRCh37_chr9:133541982-133543181; plus strand). Cytogenetic location: 9q34.12.
Variant type: single nucleotide variant.
Coding change: c.301G>T on transcript NM_021619.3 (MANE Select); coding-DNA position 301, G replaced by T.
Protein change: p.Gly101Cys; replaces glycine 101 with cysteine.
Molecular consequence: missense variant.
Genome position (GRCh38, 1-based): chr9:130,666,685, G>T. VCF-style: chr9-130666685-G-T. GRCh37 (hg19) VCF-style: chr9-133542072-G-T.
Other names: short protein forms G101C.
Identifiers: ClinVar variation 4852843 (VCV004852843.1).
Genomic context (GRCh38, chr9:130,666,685, plus strand): 5'-AGCCTGGTGCTGCCTGCGGAGGTGATCATCGCTCAGAGCTCCATCCCTGGCGAGGGCCTC[G>T]GCATCTTCTCCAAGACGTGGATCAAGGCGGGAACCGAGATGGGCCCCTTCACCGGCCGCG-3'
Protein context (NP_067632.2, residues 91-111): AQSSIPGEGL[Gly101Cys]IFSKTWIKAG

ClinVar aggregate classification (germline): Uncertain significance (1 of 4 stars; one submission).

Conditions:
Congenital insensitivity to pain-hypohidrosis syndrome. Also called: HSAN VIII; Neuropathy, hereditary sensory and autonomic, type VIII. Identifiers: Orphanet 478664, MedGen C4225308, MONDO:0014662, OMIM 616488.

Submission:

Medical Molecular Genetics, National Research Centre
Classification: Uncertain significance for Congenital insensitivity to pain-hypohidrosis syndrome. Last evaluated: 2026-04-28. Review status: criteria provided, single submitter. Criteria: ACMG Guidelines, 2015. Collection method: research. Allele origin: inherited. Affected: yes.
Comment: The p.(Gly101Cys) variant results in the substitution of glycine by cysteine at codon 101 of the PRDM12 protein. This amino acid change may affect protein structure and function.